The following is an entry in ClinVar:

NM_017777.4(MKS1):c.1532_1533insGCCGGGCGCGGTGGCTCACGCCTGTAATCCCAGCACTTTGGGAGGCCGAGGCGGGCGGATCACGAGGTCANNNNNNNNNNAAAAAAAAAAAAAAAAAAAAAGAAAAGGATGCGGAG (p.Ser511fs)

Gene: MKS1 (MKS transition zone complex subunit 1; minus strand). Cytogenetic location: 17q22.
Variant type: Insertion.
Coding change: c.1532_1533insGCCGGGCGCGGTGGCTCACGCCTGTAATCCCAGCACTTTGGGAGGCCGAGGCGGGCGGATCACGAGGTCANNNNNNNNNNAAAAAAAAAAAAAAAAAAAAAGAAAAGGATGCGGAG on transcript NM_017777.4 (MANE Select); coding-DNA positions 1532 to 1533, GCCGGGCGCGGTGGCTCACGCCTGTAATCCCAGCACTTTGGGAGGCCGAGGCGGGCGGATCACGAGGTCANNNNNNNNNNAAAAAAAAAAAAAAAAAAAAAGAAAAGGATGCGGAG inserted.
Protein change: p.Ser511fs; shifts the reading frame from serine 511.
Molecular consequence: frameshift variant. On other transcripts: nonsense (1).
Genome position: GRCh38: chr17:58,206,354-58,206,355. GRCh37 (hg19): chr17:56,283,715-56,283,716.
Other names: c.923_924insGCCGGGCGCGGTGGCTCACGCCTGTAATCCCAGCACTTTGGGAGGCCGAGGCGGGCGGATCACGAGGTCANNNNNNNNNNAAAAAAAAAAAAAAAAAAAAAGAAAAGGATGCGGAG, p.Ser308fs (NM_001321268.2); c.1449_1450insGCCGGGCGCGGTGGCTCACGCCTGTAATCCCAGCACTTTGGGAGGCCGAGGCGGGCGGATCACGAGGTCANNNNNNNNNNAAAAAAAAAAAAAAAAAAAAAGAAAAGGATGCGGAG, p.Cys484delinsAlaGlyArgGlyGlySerArgLeuTer (NM_001321269.2); c.1315_1316insGCCGGGCGCGGTGGCTCACGCCTGTAATCCCAGCACTTTGGGAGGCCGAGGCGGGCGGATCACGAGGTCANNNNNNNNNNAAAAAAAAAAAAAAAAAAAAAGAAAAGGATGCGGAG, p.Val439fs (NM_001330397.2); short protein forms S308fs, S511fs, V439fs.
Identifiers: ClinVar variation 2951380 (VCV002951380.3), dbSNP rs2509402628.

ClinVar aggregate classification (germline): Pathogenic (1 of 4 stars; one submission).

Conditions:
Joubert syndrome. Also called: CEREBELLOPARENCHYMAL DISORDER IV; JOUBERT-BOLTSHAUSER SYNDROME; Familial aplasia of the vermis. Identifiers: Orphanet 475, MedGen C5979921, MONDO:0018772.
Meckel-Gruber syndrome. Also called: DYSENCEPHALIA SPLANCHNOCYSTICA; GRUBER SYNDROME; Dysencephalia splachnocystica. Identifiers: Orphanet 564, MedGen C0265215, MONDO:0018921.

Submission:

Labcorp Genetics (formerly Invitae), Labcorp
Classification: Pathogenic for Joubert syndrome; Meckel-Gruber syndrome. Last evaluated: 2023-08-28. Review status: criteria provided, single submitter. Criteria: Invitae Variant Classification Sherloc (09022015). Collection method: clinical testing. Allele origin: germline.
Comment: For these reasons, this variant has been classified as Pathogenic. Retrotransposon insertions including LINE1 (L1), Alu, and SVA (SINE-VNTR-Alu) have been reported to be disease-causing through disruption of either a coding region or splice site (PMID: 19763152, 20307669, 22406018) and loss-of-function variants in MKS1 are known to be pathogenic (PMID: 19466712, 24886560, 26490104). This variant has not been reported in the literature in individuals affected with MKS1-related conditions. This variant is not present in population databases (gnomAD no frequency). This sequence change inserts a large fragment of DNA, likely a transposable element, in exon 17 of the MKS1 gene (c.1532_1533ins?), causing a frameshift at codon 511 (p.Ser511fs). The exact size and sequence of the insertion cannot be determined by the current assay. However, the insertion is expected to result in an absent or disrupted protein product.

Literature cited by the submitters: PubMed 19763152; PubMed 20307669; PubMed 22406018; PubMed 19466712; PubMed 24886560; PubMed 26490104.